The following is an entry in ClinVar:

NM_173841.3(IL1RN):c.58A>C (p.Asn20His)

Gene: IL1RN (interleukin 1 receptor antagonist; plus strand). Cytogenetic location: 2q14.1.
Variant type: single nucleotide variant.
Coding change: c.58A>C on transcript NM_173841.3; coding-DNA position 58, A replaced by C.
Protein change: p.Asn20His; replaces asparagine 20 with histidine.
Molecular consequence: missense variant. On other transcripts: 5 prime UTR variant (1), intron variant (2).
Genome position (GRCh38, 1-based): chr2:113,120,113, A>C. VCF-style: chr2-113120113-A-C. GRCh37 (hg19) VCF-style: chr2-113877690-A-C.
Other names: c.-225A>C (NM_001318914.2); c.-209-1335A>C (NM_173843.3); c.10+2085A>C (NM_000577.5); short protein forms N20H.
Identifiers: ClinVar variation 572109 (VCV000572109.10), dbSNP rs369994270, ClinGen allele CA1838718.

ClinVar aggregate classification (germline): Uncertain significance. Review status: criteria provided, multiple submitters, no conflicts (2 of 4 stars). 2 submissions from 2 submitters: Uncertain significance (2). Last evaluated 2024-01-30.

Conditions:
Microvascular complications of diabetes, susceptibility to, 4. Identifiers: MedGen C2675112, MONDO:0012966, OMIM 612628.
Gastric cancer. Also called: Stomach cancer; Malignant tumor of stomach. Identifiers: MedGen C0024623, MeSH D013274, MONDO:0001056, OMIM 613659, HP:0012126.
Sterile multifocal osteomyelitis with periostitis and pustulosis. Also called: CHRONIC RECURRENT MULTIFOCAL OSTEOMYELITIS 2, WITH PERIOSTITIS AND PUSTULOSIS. Identifiers: Orphanet 210115, MedGen C2748507, MONDO:0013021, OMIM 612852.

Allele frequency attached by ClinVar (database versions not stated): gnomAD exomes below 0.00001 and 0.00002; gnomAD 0.00005; ESP Exome Variant Server 0.00008; ExAC 0.00002; TOPMed 0.00006.
gnomAD v4.1: 14 of 1,613,236 alleles (0.00087%); highest among the groups gnomAD compares: African/African-American, 0.0053%; no homozygotes.

Submissions (2):

Fulgent Genetics
Classification: Uncertain significance for Microvascular complications of diabetes, susceptibility to, 4; Sterile multifocal osteomyelitis with periostitis and pustulosis; Gastric cancer. Last evaluated: 2024-01-30. Review status: criteria provided, single submitter. Criteria: ACMG Guidelines, 2015. Collection method: clinical testing. Allele origin: germline.

Labcorp Genetics (formerly Invitae), Labcorp
Classification: Uncertain significance for Sterile multifocal osteomyelitis with periostitis and pustulosis. Last evaluated: 2022-04-19. Review status: criteria provided, single submitter. Criteria: Invitae Variant Classification Sherloc (09022015). Collection method: clinical testing. Allele origin: germline.
Comment: This sequence change replaces asparagine, which is neutral and polar, with histidine, which is basic and polar, at codon 20 of the IL1RN protein (p.Asn20His). This variant is present in population databases (rs369994270, gnomAD 0.005%). This variant has not been reported in the literature in individuals affected with IL1RN-related conditions. ClinVar contains an entry for this variant (Variation ID: 572109). Algorithms developed to predict the effect of missense changes on protein structure and function output the following: SIFT: "Tolerated"; PolyPhen-2: "Benign"; Align-GVGD: "Class C0". The histidine amino acid residue is found in multiple mammalian species, which suggests that this missense change does not adversely affect protein function. In summary, the available evidence is currently insufficient to determine the role of this variant in disease. Therefore, it has been classified as a Variant of Uncertain Significance.